The following is an entry in ClinVar:

ClinVar aggregate classification (germline): Uncertain significance (1 of 4 stars; one submission).

Conditions:
Cardiovascular phenotype. Identifiers: MedGen CN230736.

Allele frequency attached by ClinVar (database versions not stated): gnomAD exomes below 0.00001; gnomAD 0.00002; TOPMed 0.00002.
gnomAD v4.1: 7 of 1,613,960 alleles (0.00043%); highest among the groups gnomAD compares: Non-Finnish European, 0.00051%; no homozygotes.

Submission:

Ambry Genetics
Classification: Uncertain significance for Cardiovascular phenotype. Last evaluated: 2022-03-22. Review status: criteria provided, single submitter. Criteria: Ambry Variant Classification Scheme 2023. Collection method: clinical testing. Allele origin: germline.
Comment: The p.Q907R variant (also known as c.2720A>G), located in coding exon 6 of the ALPK3 gene, results from an A to G substitution at nucleotide position 2720. The glutamine at codon 907 is replaced by arginine, an amino acid with highly similar properties. This amino acid position is conserved. In addition, this alteration is predicted to be tolerated by in silico analysis. Since supporting evidence is limited at this time, the clinical significance of this alteration remains unclear.

NM_020778.5(ALPK3):c.2114A>G (p.Gln705Arg)

Gene: ALPK3 (alpha kinase 3; plus strand). Cytogenetic location: 15q25.3.
Variant type: single nucleotide variant.
Coding change: c.2114A>G on transcript NM_020778.5 (MANE Select); coding-DNA position 2114, A replaced by G.
Protein change: p.Gln705Arg; replaces glutamine 705 with arginine.
Molecular consequence: missense variant.
Genome position (GRCh38, 1-based): chr15:84,856,852, A>G. VCF-style: chr15-84856852-A-G. GRCh37 (hg19) VCF-style: chr15-85400083-A-G.
Other names: short protein forms Q705R.
Identifiers: ClinVar variation 1795189 (VCV001795189.2), dbSNP rs981717577, ClinGen allele CA273623943.